The following is an entry in ClinVar:

ClinVar aggregate classification (germline): Uncertain significance. Review status: criteria provided, multiple submitters, no conflicts (2 of 4 stars). 2 submissions from 2 submitters: Uncertain significance (2). Last evaluated 2026-01-18.

Conditions:
Neuronal ceroid lipofuscinosis 11. Also called: GRN-Related Neuronal Ceroid-Lipofuscinosis. Identifiers: Orphanet 314629, Orphanet 79262, MedGen C3539123, MONDO:0013866, OMIM 614706.
GRN-related frontotemporal lobar degeneration with Tdp43 inclusions (FTD2). Also called: DEMENTIA, HEREDITARY DYSPHASIC DISINHIBITION; FRONTOTEMPORAL LOBAR DEGENERATION WITH UBIQUITIN-POSITIVE INCLUSIONS; FTLD-TDP, GRN-RELATED; FRONTOTEMPORAL DEMENTIA WITH TDP43 INCLUSIONS, GRN-RELATED; GRN Frontotemporal Dementia. Identifiers: Orphanet 100070, Orphanet 282, MedGen C1843792, MONDO:0011842, OMIM 607485. Disease mechanism: loss of function.

Allele frequency attached by ClinVar (database versions not stated): gnomAD below 0.00001 and 0.00003; TOPMed below 0.00001; gnomAD exomes 0.00005 and 0.00012; ExAC 0.00015; 1000 Genomes Project 0.00020; 1000 Genomes Project 30x 0.00031.
gnomAD v4.1: 78 of 1,614,182 alleles (0.0048%); highest among the groups gnomAD compares: South Asian, 0.083%; no homozygotes.

Submissions (2):

Labcorp Genetics (formerly Invitae), Labcorp
Classification: Uncertain significance for Neuronal ceroid lipofuscinosis 11; GRN-related frontotemporal lobar degeneration with Tdp43 inclusions. Last evaluated: 2026-01-18. Review status: criteria provided, single submitter. Criteria: Invitae Variant Classification Sherloc (09022015). Collection method: clinical testing. Allele origin: germline.
Comment: This sequence change replaces leucine, which is neutral and non-polar, with arginine, which is basic and polar, at codon 57 of the GRN protein (p.Leu57Arg). This variant is present in population databases (rs545762769, gnomAD 0.1%). This variant has not been reported in the literature in individuals affected with GRN-related conditions. ClinVar contains an entry for this variant (Variation ID: 839749). An algorithm developed to predict the effect of missense changes on protein structure and function (PolyPhen-2) suggests that this variant is likely to be disruptive. In summary, the available evidence is currently insufficient to determine the role of this variant in disease. Therefore, it has been classified as a Variant of Uncertain Significance.

Blueprint Genetics
Classification: Uncertain significance. Last evaluated: 2024-10-29. Review status: criteria provided, single submitter. Criteria: ACMG Guidelines, 2015. Collection method: clinical testing. Allele origin: germline.

NM_002087.4(GRN):c.170T>G (p.Leu57Arg)

Gene: GRN (granulin precursor; plus strand). Cytogenetic location: 17q21.31.
Variant type: single nucleotide variant.
Coding change: c.170T>G on transcript NM_002087.4 (MANE Select); coding-DNA position 170, T replaced by G.
Protein change: p.Leu57Arg; replaces leucine 57 with arginine.
Molecular consequence: missense variant.
Genome position (GRCh38, 1-based): chr17:44,349,457, T>G. VCF-style: chr17-44349457-T-G. GRCh37 (hg19) VCF-style: chr17-42426825-T-G.
Other names: short protein forms L57R.
Identifiers: ClinVar variation 839749 (VCV000839749.11), dbSNP rs545762769, ClinGen allele CA8601779.